The following is an entry in ClinVar:

NM_001042492.3(NF1):c.5480T>C (p.Ile1827Thr)

Gene: NF1 (neurofibromin 1; plus strand). Cytogenetic location: 17q11.2.
Variant type: single nucleotide variant.
Coding change: c.5480T>C on transcript NM_001042492.3 (MANE Select); coding-DNA position 5480, T replaced by C.
Protein change: p.Ile1827Thr; replaces isoleucine 1827 with threonine.
Molecular consequence: missense variant.
Genome position (GRCh38, 1-based): chr17:31,327,710, T>C. VCF-style: chr17-31327710-T-C. GRCh37 (hg19) VCF-style: chr17-29654728-T-C.
Other names: c.5417T>C, p.Ile1806Thr (NM_000267.4); short protein forms I1827T, I1806T.
Identifiers: ClinVar variation 527576 (VCV000527576.26), dbSNP rs1555533605, ClinGen allele CA399009536.

ClinVar aggregate classification (germline): Uncertain significance. Review status: criteria provided, multiple submitters, no conflicts (2 of 4 stars). 3 submissions from 3 submitters: Uncertain significance (3). Last evaluated 2025-07-31.

Conditions:
Hereditary cancer-predisposing syndrome. Also called: Neoplastic Syndromes, Hereditary; Hereditary Cancer Syndrome; Tumor predisposition; Hereditary neoplastic syndrome. Identifiers: Orphanet 140162, MedGen C0027672, MeSH D009386, MONDO:0015356.
Cardiovascular phenotype. Identifiers: MedGen CN230736.
Neurofibromatosis, type 1 (NF1). Also called: VON RECKLINGHAUSEN DISEASE; NEUROFIBROMATOSIS, TYPE I, SOMATIC; Peripheral type neurofibromatosis; Neurofibromatosis, type I. Identifiers: Orphanet 636, MedGen C0027831, MONDO:0018975, OMIM 162200. Disease mechanism: loss of function.

Allele frequency attached by ClinVar (database versions not stated): gnomAD exomes below 0.00001.
gnomAD v4.1: 1 of 1,614,164 alleles (0.000062%); highest among the groups gnomAD compares: Non-Finnish European, 0.000085%; no homozygotes.

Submissions (3):

Labcorp Genetics (formerly Invitae), Labcorp
Classification: Uncertain significance for Neurofibromatosis, type 1. Last evaluated: 2025-07-31. Review status: criteria provided, single submitter. Criteria: Invitae Variant Classification Sherloc (09022015). Collection method: clinical testing. Allele origin: germline.
Comment: This sequence change replaces isoleucine, which is neutral and non-polar, with threonine, which is neutral and polar, at codon 1806 of the NF1 protein (p.Ile1806Thr). This variant is not present in population databases (gnomAD no frequency). This variant has not been reported in the literature in individuals affected with NF1-related conditions. ClinVar contains an entry for this variant (Variation ID: 527576). Invitae Evidence Modeling of protein sequence and biophysical properties (such as structural, functional, and spatial information, amino acid conservation, physicochemical variation, residue mobility, and thermodynamic stability) indicates that this missense variant is expected to disrupt NF1 protein function with a positive predictive value of 95%. In summary, the available evidence is currently insufficient to determine the role of this variant in disease. Therefore, it has been classified as a Variant of Uncertain Significance.

Ambry Genetics
Classification: Uncertain significance for Cardiovascular phenotype; Hereditary cancer-predisposing syndrome. Last evaluated: 2025-01-03. Review status: criteria provided, single submitter. Criteria: Ambry Variant Classification Scheme 2023. Collection method: clinical testing. Allele origin: germline.
Comment: The p.I1806T variant (also known as c.5417T>C), located in coding exon 37 of the NF1 gene, results from a T to C substitution at nucleotide position 5417. The isoleucine at codon 1806 is replaced by threonine, an amino acid with similar properties. This amino acid position is highly conserved in available vertebrate species. In addition, this alteration is predicted to be deleterious by in silico analysis. Based on the available evidence, the clinical significance of this variant remains unclear.

CeGaT Center for Human Genetics Tuebingen
Classification: Uncertain significance. Last evaluated: 2024-06-01. Review status: criteria provided, single submitter. Criteria: CeGaT Center For Human Genetics Tuebingen Variant Classification Criteria Version 2. Collection method: clinical testing. Allele origin: germline. Affected: yes. Observed: 1 variant allele.
Comment: NF1: PM2, PP2, PP3